The following is an entry in ClinVar:

NM_002532.6(NUP88):c.179T>C (p.Val60Ala)

Gene: NUP88 (nucleoporin 88; minus strand). Cytogenetic location: 17p13.2.
Variant type: single nucleotide variant.
Coding change: c.179T>C on transcript NM_002532.6 (MANE Select); coding-DNA position 179, T replaced by C.
Protein change: p.Val60Ala; replaces valine 60 with alanine.
Molecular consequence: missense variant.
Genome position (GRCh38, 1-based): chr17:5,419,472, A>G on the plus strand (T>C on the coding strand, the complement: NUP88 is on the minus strand). VCF-style: chr17-5419472-A-G. GRCh37 (hg19) VCF-style: chr17-5322792-A-G.
Other names: c.179T>C, p.Val60Ala (NM_001320653.2); short protein forms V60A.
Identifiers: ClinVar variation 3035708 (VCV003035708.2), dbSNP rs112823244, ClinGen allele CA8324689.

ClinVar aggregate classification (germline): Likely benign (0 of 4 stars; one submission).

Conditions:
NUP88-related disorder. Also called: NUP88-related condition.

Allele frequency attached by ClinVar (database versions not stated): gnomAD exomes 0.00017; ExAC 0.00062; gnomAD 0.00198; TOPMed 0.00202; ESP Exome Variant Server 0.00231; 1000 Genomes Project 0.00280; 1000 Genomes Project 30x 0.00312.
gnomAD v4.1: 568 of 1,614,038 alleles (0.035%); highest among the groups gnomAD compares: African/African-American, 0.64%; no homozygotes.

Submission:

PreventionGenetics, part of Exact Sciences
Classification: Likely benign for NUP88-related condition. Last evaluated: 2019-10-28. Review status: no assertion criteria provided. Collection method: clinical testing. Allele origin: germline.
Comment: This variant is classified as likely benign based on ACMG/AMP sequence variant interpretation guidelines (Richards et al. 2015 PMID: 25741868, with internal and published modifications).